The following is an entry in ClinVar:

ClinVar aggregate classification (germline): Likely benign (0 of 4 stars; one submission).

Conditions:
HNF1B-related disorder. Also called: HNF1B-related disorders; HNF1B-related condition.

Submission:

PreventionGenetics, part of Exact Sciences
Classification: Likely benign for HNF1B-related condition. Last evaluated: 2021-03-16. Review status: no assertion criteria provided. Collection method: clinical testing. Allele origin: germline.
Comment: This variant is classified as likely benign based on ACMG/AMP sequence variant interpretation guidelines (Richards et al. 2015 PMID: 25741868, with internal and published modifications).

NM_000458.4(HNF1B):c.-39A>C

Gene: HNF1B (HNF1 homeobox B; minus strand). Cytogenetic location: 17q12.
Variant type: single nucleotide variant.
Coding change: c.-39A>C on transcript NM_000458.4 (MANE Select); 39 bases upstream of the start codon, A replaced by C.
Molecular consequence: 5 prime UTR variant.
Genome position (GRCh38, 1-based): chr17:37,744,923, T>G on the plus strand (A>C on the coding strand, the complement: HNF1B is on the minus strand). VCF-style: chr17-37744923-T-G. GRCh37 (hg19) VCF-style: chr17-36104914-T-G.
Other names: c.-39A>C (NM_001165923.4, NM_001304286.2, NM_001411100.1).
Identifiers: ClinVar variation 3044135 (VCV003044135.2), dbSNP rs769034021, ClinGen allele CA8519185.
Genomic context (GRCh38, chr17:37,744,923, plus strand): 5'-GCGACGTGAGCTTGGACACCATTTTCCAAGGACGGAAAAAGAAGGGGGTGAGGGGGTGGG[T>G]GGGTGCGAGAGAGGAGGGTGGAGGGGAGTTTCACAAGCAAACCCCAAATCCAGGAACCCC-3'